The following is an entry in ClinVar:

NM_001083962.2(TCF4):c.1621A>T (p.Ile541Phe)

Gene: TCF4 (transcription factor 4; minus strand). Cytogenetic location: 18q21.2.
Variant type: single nucleotide variant.
Coding change: c.1621A>T on transcript NM_001083962.2 (MANE Select); coding-DNA position 1621, A replaced by T.
Protein change: p.Ile541Phe; replaces isoleucine 541 with phenylalanine.
Molecular consequence: missense variant.
Genome position (GRCh38, 1-based): chr18:55,232,537, T>A on the plus strand (A>T on the coding strand, the complement: TCF4 is on the minus strand). VCF-style: chr18-55232537-T-A. GRCh37 (hg19) VCF-style: chr18-52899768-T-A.
Other names: c.1231A>T, p.Ile411Phe (NM_001348213.2, NM_001243233.2, NM_001330605.3 and 1 more transcripts); c.1138A>T, p.Ile380Phe (NM_001348214.2); c.973A>T, p.Ile325Phe (NM_001348215.2); c.1141A>T, p.Ile381Phe (NM_001348216.2, NM_001243234.2, NM_001243235.2 and 1 more transcripts); c.1549A>T, p.Ile517Phe (NM_001348217.1, NM_001348218.2, NM_001348219.2 and 5 more transcripts); c.1546A>T, p.Ile516Phe (NM_001348220.1, NM_001369578.1, NM_001369579.1 and 6 more transcripts); c.1621A>T, p.Ile541Phe (NM_001369567.1, NM_001369568.1, NM_003199.3 and 2 more transcripts); c.1552A>T, p.Ile518Phe (NM_001369586.1); and 6 more; short protein forms I380F, I381F, I470F, I517F, I540F, I547F, I411F, I541F.
Identifiers: ClinVar variation 2815617 (VCV002815617.3), dbSNP rs2511580412, ClinGen allele CA402529874.

ClinVar aggregate classification (germline): Uncertain significance (1 of 4 stars; one submission).

Conditions:
Pitt-Hopkins syndrome (PTHS). Also called: ENCEPHALOPATHY, SEVERE EPILEPTIC, WITH AUTONOMIC DYSFUNCTION; MENTAL RETARDATION, SYNDROMAL, WITH INTERMITTENT HYPERVENTILATION. Identifiers: Orphanet 2896, MedGen C1970431, MONDO:0012589, OMIM 610954.

Submission:

Labcorp Genetics (formerly Invitae), Labcorp
Classification: Uncertain significance for Pitt-Hopkins syndrome. Last evaluated: 2022-11-23. Review status: criteria provided, single submitter. Criteria: Invitae Variant Classification Sherloc (09022015). Collection method: clinical testing. Allele origin: germline.
Comment: In summary, the available evidence is currently insufficient to determine the role of this variant in disease. Therefore, it has been classified as a Variant of Uncertain Significance. Advanced modeling of protein sequence and biophysical properties (such as structural, functional, and spatial information, amino acid conservation, physicochemical variation, residue mobility, and thermodynamic stability) performed at Invitae indicates that this missense variant is not expected to disrupt TCF4 protein function. This variant has not been reported in the literature in individuals affected with TCF4-related conditions. This variant is not present in population databases (gnomAD no frequency). This sequence change replaces isoleucine, which is neutral and non-polar, with phenylalanine, which is neutral and non-polar, at codon 541 of the TCF4 protein (p.Ile541Phe).